The following is an entry in ClinVar:

NM_000712.4(BLVRA):c.467C>T (p.Pro156Leu)

Gene: BLVRA (biliverdin reductase A; plus strand). Cytogenetic location: 7p13.
Variant type: single nucleotide variant.
Coding change: c.467C>T on transcript NM_000712.4 (MANE Select); coding-DNA position 467, C replaced by T.
Protein change: p.Pro156Leu; replaces proline 156 with leucine.
Molecular consequence: missense variant.
Genome position (GRCh38, 1-based): chr7:43,803,682, C>T. VCF-style: chr7-43803682-C-T. GRCh37 (hg19) VCF-style: chr7-43843281-C-T.
Other names: c.467C>T, p.Pro156Leu (NM_001253823.2); short protein forms P156L.
Identifiers: ClinVar variation 4646155 (VCV004646155.2).

ClinVar aggregate classification (germline): Uncertain significance. Review status: criteria provided, multiple submitters, no conflicts (2 of 4 stars). 2 submissions from 2 submitters: Uncertain significance (2). Last evaluated 2026-09-17.

Conditions:
BLVRA-related disorder. Also called: BLVRA-related condition.

gnomAD v4.1: 7 of 1,613,640 alleles (0.00043%); highest among the groups gnomAD compares: African/African-American, 0.0067%; no homozygotes.

Submissions (2):

PreventionGenetics, part of Exact Sciences
Classification: Uncertain significance for BLVRA-related condition. Last evaluated: 2026-09-17. Review status: criteria provided, single submitter. Criteria: ACMG Guidelines, 2015. Collection method: clinical testing. Allele origin: germline.
Comment: The BLVRA c.467C>T variant is predicted to result in the amino acid substitution p.Pro156Leu. To our knowledge, this variant has not been reported in the literature. This variant is reported in 0.012% of alleles in individuals of African descent in gnomAD. At this time, the clinical significance of this variant is uncertain due to the absence of conclusive functional and genetic evidence.

Ambry Genetics
Classification: Uncertain significance. Last evaluated: 2025-10-15. Review status: criteria provided, single submitter. Criteria: Ambry Variant Classification Scheme 2023. Collection method: clinical testing. Allele origin: germline.